The following is an entry in ClinVar:

NC_000001.10:g.(?_216219753)_(216270575_?)dup

Gene: USH2A (usherin; minus strand). Cytogenetic location: 1q41.
Variant type: Duplication.
Identifiers: ClinVar variation 1444459 (VCV001444459.5).

ClinVar aggregate classification (germline): Uncertain significance (1 of 4 stars; one submission).

Submission:

Labcorp Genetics (formerly Invitae), Labcorp
Classification: Uncertain significance. Last evaluated: 2022-03-05. Review status: criteria provided, single submitter. Criteria: Invitae Variant Classification Sherloc (09022015). Collection method: clinical testing. Allele origin: germline.
Comment: In summary, the available evidence is currently insufficient to determine the role of this variant in disease. Therefore, it has been classified as a Variant of Uncertain Significance. A similar copy number variant has been observed in individual(s) with USH2A-related conditions (Invitae). This variant results in a copy number gain of the genomic region encompassing exon(s) 22-32 of the USH2A gene. While the exact position of this variant cannot be determined from the data, sub-genic copy number gains are generally in tandem (PMID: 25640679). This variant is predicted to be in-frame, and likely preserves the integrity of the reading frame.

Literature cited by the submitters: PubMed 25640679.